The following is an entry in ClinVar:

ClinVar aggregate classification (germline): Likely pathogenic. Review status: criteria provided, multiple submitters, no conflicts (2 of 4 stars). 2 submissions from 2 submitters: Likely pathogenic (2). Last evaluated 2022-09-27.

Conditions:
NBEA-related complex neurodevelopmental disorder.

Submissions (2):

Institute for Medical Genetics and Human Genetics, Charité - Universitätsmedizin Berlin
Classification: Likely pathogenic. Last evaluated: 2022-09-27. Review status: criteria provided, single submitter. Criteria: ACMG Guidelines, 2015. Collection method: clinical testing. Allele origin: germline. Inheritance: Autosomal dominant inheritance. Affected: yes. Observed: 1 heterozygote.

Illumina Laboratory Services, Illumina
Classification: Likely pathogenic for NBEA-related complex neurodevelopmental disorder. Last evaluated: 2021-06-14. Review status: criteria provided, single submitter. Criteria: ICSLVariantClassificationCriteria RUGD 01 April 2020. Collection method: clinical testing. Allele origin: unknown.
Comment: The NBEA c.955G>T (p.Asp319Tyr) variant is a missense variant. A literature search was performed for the gene, cDNA change, and amino acid change. No publications were found based on this search. This variant is not found in version 2.1.1 or version 3.1.1 of the Genome Aggregation Database despite its location in a region of good sequencing coverage, which suggests the variant is rare. Based on the evidence, the p.Asp319Tyr variant is classified as likely pathogenic for NBEA-related complex neurodevelopmental disorder.

NM_001385012.1(NBEA):c.955G>T (p.Asp319Tyr)

Gene: NBEA (neurobeachin; plus strand). Cytogenetic location: 13q13.3.
Variant type: single nucleotide variant.
Coding change: c.955G>T on transcript NM_001385012.1 (MANE Select); coding-DNA position 955, G replaced by T.
Protein change: p.Asp319Tyr; replaces aspartic acid 319 with tyrosine.
Molecular consequence: missense variant.
Genome position (GRCh38, 1-based): chr13:35,050,378, G>T. VCF-style: chr13-35050378-G-T. GRCh37 (hg19) VCF-style: chr13-35624515-G-T.
Other names: c.955G>T, p.Asp319Tyr (NM_001379245.1, NM_015678.5); short protein forms D319Y.
Identifiers: ClinVar variation 1328525 (VCV001328525.7), dbSNP rs2152563427, ClinGen allele CA387962436.